The following is an entry in ClinVar:

ClinVar aggregate classification (germline): Uncertain significance. Review status: criteria provided, multiple submitters, no conflicts (2 of 4 stars). 3 submissions from 3 submitters: Uncertain significance (3). Last evaluated 2022-11-14.

Conditions:
Cutis laxa with severe pulmonary, gastrointestinal and urinary anomalies. Also called: URBAN-RIFKIN-DAVIS SYNDROME; Cutis laxa, autosomal recessive, type IC; LTBP4-Related Cutis Laxa. Identifiers: Orphanet 221145, MedGen C2750804, MONDO:0013170, OMIM 613177. Disease mechanism: loss of function.

Allele frequency attached by ClinVar (database versions not stated): TOPMed 0.00009; 1000 Genomes Project 30x 0.00016; 1000 Genomes Project 0.00020; ExAC 0.00033.
gnomAD v4.1: 306 of 1,569,758 alleles (0.019%); highest among the groups gnomAD compares: South Asian, 0.051%; no homozygotes.

Submissions (3):

GeneDx
Classification: Uncertain significance. Last evaluated: 2022-11-14. Review status: criteria provided, single submitter. Criteria: GeneDx Variant Classification Process June 2021. Collection method: clinical testing. Allele origin: germline. Affected: yes.
Comment: Has not been previously published as pathogenic or benign to our knowledge; In silico analysis supports that this missense variant does not alter protein structure/function

Labcorp Genetics (formerly Invitae), Labcorp
Classification: Uncertain significance. Last evaluated: 2022-10-17. Review status: criteria provided, single submitter. Criteria: Invitae Variant Classification Sherloc (09022015). Collection method: clinical testing. Allele origin: germline.
Comment: This sequence change replaces glycine, which is neutral and non-polar, with arginine, which is basic and polar, at codon 837 of the LTBP4 protein (p.Gly837Arg). This variant is present in population databases (rs559350666, gnomAD 0.07%). This variant has not been reported in the literature in individuals affected with LTBP4-related conditions. ClinVar contains an entry for this variant (Variation ID: 329317). Experimental studies and prediction algorithms are not available or were not evaluated, and the functional significance of this variant is currently unknown. In summary, the available evidence is currently insufficient to determine the role of this variant in disease. Therefore, it has been classified as a Variant of Uncertain Significance.

Illumina Laboratory Services, Illumina
Classification: Uncertain significance for Cutis laxa with severe pulmonary, gastrointestinal and urinary anomalies. Last evaluated: 2018-01-12. Review status: criteria provided, single submitter. Criteria: ICSL Variant Classification Criteria 13 December 2019. Collection method: clinical testing. Allele origin: germline.

NM_001042545.2(LTBP4):c.2419G>C (p.Gly807Arg)

Gene: LTBP4 (latent transforming growth factor beta binding protein 4; plus strand). Cytogenetic location: 19q13.2.
Variant type: single nucleotide variant.
Coding change: c.2419G>C on transcript NM_001042545.2 (MANE Select); coding-DNA position 2419, G replaced by C.
Protein change: p.Gly807Arg; replaces glycine 807 with arginine.
Molecular consequence: missense variant.
Genome position (GRCh38, 1-based): chr19:40,613,184, G>C. VCF-style: chr19-40613184-G-C. GRCh37 (hg19) VCF-style: chr19-41119090-G-C.
Other names: c.2620G>C, p.Gly874Arg (NM_001042544.1); c.2509G>C, p.Gly837Arg (NM_003573.2); short protein forms G807R, G837R, G874R.
Identifiers: ClinVar variation 329317 (VCV000329317.10), dbSNP rs559350666, ClinGen allele CA9448658.